The following is an entry in ClinVar:

NM_198407.2(GHSR):c.772C>T (p.His258Tyr)

Gene: GHSR (growth hormone secretagogue receptor; minus strand). Cytogenetic location: 3q26.31.
Variant type: single nucleotide variant.
Coding change: c.772C>T on transcript NM_198407.2 (MANE Select); coding-DNA position 772, C replaced by T.
Protein change: p.His258Tyr; replaces histidine 258 with tyrosine.
Molecular consequence: missense variant.
Genome position (GRCh38, 1-based): chr3:172,447,642, G>A on the plus strand (C>T on the coding strand, the complement: GHSR is on the minus strand). VCF-style: chr3-172447642-G-A. GRCh37 (hg19) VCF-style: chr3-172165432-G-A.
Other names: c.772C>T, p.His258Tyr (NM_004122.2); short protein forms H258Y.
Identifiers: ClinVar variation 2912782 (VCV002912782.3), dbSNP rs200280329, ClinGen allele CA2706407.

ClinVar aggregate classification (germline): Uncertain significance (1 of 4 stars; one submission).

Allele frequency attached by ClinVar (database versions not stated): TOPMed below 0.00001; ExAC 0.00001; gnomAD 0.00001; gnomAD exomes 0.00001.
gnomAD v4.1: 14 of 1,613,972 alleles (0.00087%); highest among the groups gnomAD compares: Middle Eastern, 0.016%; no homozygotes.

Submission:

Labcorp Genetics (formerly Invitae), Labcorp
Classification: Uncertain significance. Last evaluated: 2022-12-28. Review status: criteria provided, single submitter. Criteria: Invitae Variant Classification Sherloc (09022015). Collection method: clinical testing. Allele origin: germline.
Comment: In summary, the available evidence is currently insufficient to determine the role of this variant in disease. Therefore, it has been classified as a Variant of Uncertain Significance. Advanced modeling of protein sequence and biophysical properties (such as structural, functional, and spatial information, amino acid conservation, physicochemical variation, residue mobility, and thermodynamic stability) performed at Invitae indicates that this missense variant is expected to disrupt GHSR protein function. This variant has not been reported in the literature in individuals affected with GHSR-related conditions. This variant is present in population databases (rs200280329, gnomAD 0.002%). This sequence change replaces histidine, which is basic and polar, with tyrosine, which is neutral and polar, at codon 258 of the GHSR protein (p.His258Tyr).